The following is an entry in ClinVar:

ClinVar aggregate classification (germline): Uncertain significance (1 of 4 stars; one submission).

Conditions:
Tremor, hereditary essential, 5 (ETM5). Identifiers: MedGen C4225223, MONDO:0014756, OMIM 616736.

gnomAD v4.1: 2 of 1,613,846 alleles (0.00012%); highest among the groups gnomAD compares: Non-Finnish European, 0.00017%; no homozygotes.

Submission:

MVZ Medizinische Genetik Mainz
Classification: Uncertain significance for Tremor, hereditary essential, 5. Last evaluated: 2025-12-01. Review status: criteria provided, single submitter. Criteria: UK Practice Guidelines For Variant Classification V4 01 2020. Collection method: clinical testing. Allele origin: germline. Inheritance: Autosomal dominant inheritance. Affected: yes. Observed: 1 variant allele.
Comment: ACMG Criteria: PP3_MOD,PM2_SUP

NM_001098816.3(TENM4):c.4085A>G (p.Tyr1362Cys)

Gene: TENM4 (teneurin transmembrane protein 4; minus strand). Cytogenetic location: 11q14.1.
Variant type: single nucleotide variant.
Coding change: c.4085A>G on transcript NM_001098816.3 (MANE Select); coding-DNA position 4085, A replaced by G.
Protein change: p.Tyr1362Cys; replaces tyrosine 1362 with cysteine.
Molecular consequence: missense variant.
Genome position (GRCh38, 1-based): chr11:78,708,485, T>C on the plus strand (A>G on the coding strand, the complement: TENM4 is on the minus strand). VCF-style: chr11-78708485-T-C. GRCh37 (hg19) VCF-style: chr11-78419530-T-C.
Other names: short protein forms Y1362C.
Identifiers: ClinVar variation 4540406 (VCV004540406.1).